The following is an entry in ClinVar:

NM_001367549.1(ATP13A3):c.3685G>T (p.Glu1229Ter)

Gene: ATP13A3 (ATPase 13A3; minus strand). Cytogenetic location: 3q29.
Variant type: single nucleotide variant.
Coding change: c.3685G>T on transcript NM_001367549.1 (MANE Select); coding-DNA position 3685, G replaced by T.
Protein change: p.Glu1229Ter; replaces glutamic acid 1229 with a stop codon.
Molecular consequence: nonsense. On other transcripts: non-coding transcript variant (1).
Genome position (GRCh38, 1-based): chr3:194,406,005, C>A on the plus strand (G>T on the coding strand, the complement: ATP13A3 is on the minus strand). VCF-style: chr3-194406005-C-A. GRCh37 (hg19) VCF-style: chr3-194126734-C-A.
Other names: ATP13A3, GLU1229TER (rs200914446); c.3604G>T, p.Glu1202Ter (NM_001374836.1); c.3595G>T, p.Glu1199Ter (NM_024524.4); short protein forms E1199*, E1202*, E1229*.
Identifiers: ClinVar variation 1195993 (VCV001195993.11), dbSNP rs200914446, ClinGen allele CA90647035.

ClinVar aggregate classification (germline): Conflicting classifications of pathogenicity. Review status: criteria provided, conflicting classifications (1 of 4 stars). 4 submissions from 4 submitters: Pathogenic (1); Uncertain significance (2). 1 of the submissions does not count toward it. Last evaluated 2022-06-15.

Conditions:
Pulmonary arterial hypertension. Identifiers: Orphanet 182090, MedGen C2973725, MeSH D000081029, MONDO:0015924, HP:0002092.
Pulmonary hypertension, primary, 5. Also called: Pulmonary hypertension, primary, autosomal recessive. Identifiers: Orphanet 422, MedGen C5676877, MONDO:0009935, OMIM 265400.

Allele frequency attached by ClinVar (database versions not stated): gnomAD exomes below 0.00001.
gnomAD v4.1: 1 of 1,614,168 alleles (0.000062%); highest among the groups gnomAD compares: Non-Finnish European, 0.000085%; no homozygotes.

Submissions (4):

Labcorp Genetics (formerly Invitae), Labcorp
Classification: Uncertain significance. Last evaluated: 2022-06-15. Review status: criteria provided, single submitter. Criteria: Invitae Variant Classification Sherloc (09022015). Collection method: clinical testing. Allele origin: germline.
Comment: In summary, the available evidence is currently insufficient to determine the role of this variant in disease. Therefore, it has been classified as a Variant of Uncertain Significance. ClinVar contains an entry for this variant (Variation ID: 1195993). This variant is also known as NM_001367549.1:c.3685G>T (p.Glu1229*). This premature translational stop signal has been observed in individual(s) with pulmonary arterial hypertension (PMID: 34493544). In at least one individual the data is consistent with being in trans (on the opposite chromosome) from a pathogenic variant. This variant is not present in population databases (gnomAD no frequency). This sequence change creates a premature translational stop signal (p.Glu1199*) in the ATP13A3 gene. While this is not anticipated to result in nonsense mediated decay, it is expected to disrupt the last 28 amino acid(s) of the ATP13A3 protein.

Wendy Chung Laboratory, Boston Children's Hospital
Classification: Pathogenic for Pulmonary arterial hypertension. Last evaluated: 2021-08-04. Review status: criteria provided, single submitter. Criteria: ACMG Guidelines, 2015. Collection method: clinical testing. Allele origin: maternal. Affected: yes. Observed: 3 variant alleles, 2 heterozygotes, 1 compound heterozygote.

Blueprint Genetics
Classification: Uncertain significance. Last evaluated: 2020-01-20. Review status: criteria provided, single submitter. Criteria: ACMG Guidelines, 2015. Collection method: clinical testing. Allele origin: germline.

OMIM
Classification: Pathogenic for PULMONARY HYPERTENSION, PRIMARY, 5. Last evaluated: 2022-08-29. Review status: no assertion criteria provided. Collection method: literature only. Allele origin: germline. Not counted in ClinVar's aggregate classification.

Literature cited by the submitters: PubMed 34493544 (cited by 3 submitters).